The following is an entry in ClinVar:

ClinVar aggregate classification (germline): Uncertain significance. Review status: criteria provided, multiple submitters, no conflicts (2 of 4 stars). 2 submissions from 2 submitters: Uncertain significance (2). Last evaluated 2025-10-07.

Conditions:
Inborn genetic diseases. Identifiers: MedGen C0950123, MeSH D030342.
Nemaline myopathy 8 (NEM8). Also called: Nemaline myopathy 8, autosomal recessive. Identifiers: Orphanet 171430, MedGen C3809209, MONDO:0014138, OMIM 615348.

Allele frequency attached by ClinVar (database versions not stated): gnomAD exomes below 0.00001 and 0.00001; TOPMed 0.00001; gnomAD 0.00001.
gnomAD v4.1: 24 of 1,613,894 alleles (0.0015%); highest among the groups gnomAD compares: Non-Finnish European, 0.0017%; no homozygotes.

Submissions (2):

Ambry Genetics
Classification: Uncertain significance for Inborn genetic diseases. Last evaluated: 2025-10-07. Review status: criteria provided, single submitter. Criteria: Ambry Variant Classification Scheme 2023. Collection method: clinical testing. Allele origin: germline.

Labcorp Genetics (formerly Invitae), Labcorp
Classification: Uncertain significance for Nemaline myopathy 8. Last evaluated: 2022-02-03. Review status: criteria provided, single submitter. Criteria: Invitae Variant Classification Sherloc (09022015). Collection method: clinical testing. Allele origin: germline.
Comment: Algorithms developed to predict the effect of missense changes on protein structure and function are either unavailable or do not agree on the potential impact of this missense change (SIFT: "Tolerated"; PolyPhen-2: "Possibly Damaging"; Align-GVGD: "Class C0"). In summary, the available evidence is currently insufficient to determine the role of this variant in disease. Therefore, it has been classified as a Variant of Uncertain Significance. ClinVar contains an entry for this variant (Variation ID: 541328). This variant has not been reported in the literature in individuals affected with KLHL40-related conditions. This variant is present in population databases (no rsID available, gnomAD 0.0009%). This sequence change replaces proline, which is neutral and non-polar, with serine, which is neutral and polar, at codon 449 of the KLHL40 protein (p.Pro449Ser).

NM_152393.4(KLHL40):c.1345C>T (p.Pro449Ser)

Gene: KLHL40 (kelch like family member 40; plus strand). Cytogenetic location: 3p22.1.
Variant type: single nucleotide variant.
Coding change: c.1345C>T on transcript NM_152393.4 (MANE Select); coding-DNA position 1345, C replaced by T.
Protein change: p.Pro449Ser; replaces proline 449 with serine.
Molecular consequence: missense variant.
Genome position (GRCh38, 1-based): chr3:42,688,641, C>T. VCF-style: chr3-42688641-C-T. GRCh37 (hg19) VCF-style: chr3-42730133-C-T.
Other names: c.1345C>T (NM_152393.2); short protein forms P449S.
Identifiers: ClinVar variation 541328 (VCV000541328.6), dbSNP rs1194342086, ClinGen allele CA352293805.